The following is an entry in ClinVar:

ClinVar aggregate classification (germline): Uncertain significance (1 of 4 stars; one submission).

Conditions:
Hereditary cancer-predisposing syndrome. Also called: Neoplastic Syndromes, Hereditary; Tumor predisposition; Hereditary Cancer Syndrome; Hereditary neoplastic syndrome. Identifiers: Orphanet 140162, MedGen C0027672, MeSH D009386, MONDO:0015356.

Allele frequency attached by ClinVar (database versions not stated): TOPMed below 0.00001; gnomAD 0.00001.
gnomAD v4.1: 2 of 1,613,620 alleles (0.00012%); highest among the groups gnomAD compares: African/African-American, 0.0027%; no homozygotes.

Submission:

Ambry Genetics
Classification: Uncertain significance for Hereditary cancer-predisposing syndrome. Last evaluated: 2025-04-16. Review status: criteria provided, single submitter. Criteria: Ambry Variant Classification Scheme 2023. Collection method: clinical testing. Allele origin: germline.
Comment: The p.P53R variant (also known as c.158C>G), located in coding exon 1 of the GREM1 gene, results from a C to G substitution at nucleotide position 158. The proline at codon 53 is replaced by arginine, an amino acid with dissimilar properties. This amino acid position is conserved. In addition, this alteration is predicted to be tolerated by in silico analysis. Since supporting evidence is limited at this time, the clinical significance of this alteration remains unclear.

NM_013372.7(GREM1):c.158C>G (p.Pro53Arg)

Gene: GREM1 (gremlin 1, DAN family BMP antagonist; plus strand). Cytogenetic location: 15q13.3.
Variant type: single nucleotide variant.
Coding change: c.158C>G on transcript NM_013372.7 (MANE Select); coding-DNA position 158, C replaced by G.
Protein change: p.Pro53Arg; replaces proline 53 with arginine.
Molecular consequence: missense variant. On other transcripts: intron variant (2).
Genome position (GRCh38, 1-based): chr15:32,730,848, C>G. VCF-style: chr15-32730848-C-G. GRCh37 (hg19) VCF-style: chr15-33023049-C-G.
Other names: c.114+44C>G (NM_001191323.2); c.28-80C>G (NM_001191322.2); c.158C>G, p.Pro53Arg (NM_001368719.1); short protein forms P53R.
Identifiers: ClinVar variation 1775879 (VCV001775879.3), dbSNP rs1454389131, ClinGen allele CA391557311.